The following is an entry in ClinVar:

ClinVar aggregate classification (germline): Uncertain significance (1 of 4 stars; one submission).

Conditions:
Bardet-Biedl syndrome (BBS). Identifiers: Orphanet 110, MedGen C0752166, MONDO:0015229.

Allele frequency attached by ClinVar (database versions not stated): TOPMed below 0.00001; gnomAD 0.00001.
gnomAD v4.1: 2 of 1,613,672 alleles (0.00012%); highest among the groups gnomAD compares: Non-Finnish European, 0.00017%; no homozygotes.

Submission:

Labcorp Genetics (formerly Invitae), Labcorp
Classification: Uncertain significance for Bardet-Biedl syndrome. Last evaluated: 2022-02-24. Review status: criteria provided, single submitter. Criteria: Invitae Variant Classification Sherloc (09022015). Collection method: clinical testing. Allele origin: germline.
Comment: This sequence change replaces glutamine, which is neutral and polar, with histidine, which is basic and polar, at codon 448 of the BBS7 protein (p.Gln448His). This variant is not present in population databases (gnomAD no frequency). This variant has not been reported in the literature in individuals affected with BBS7-related conditions. Algorithms developed to predict the effect of missense changes on protein structure and function are either unavailable or do not agree on the potential impact of this missense change (SIFT: "Deleterious"; PolyPhen-2: "Probably Damaging"; Align-GVGD: "Class C15"). In summary, the available evidence is currently insufficient to determine the role of this variant in disease. Therefore, it has been classified as a Variant of Uncertain Significance.

NM_176824.3(BBS7):c.1344G>C (p.Gln448His)

Gene: BBS7 (Bardet-Biedl syndrome 7; minus strand). Cytogenetic location: 4q27.
Variant type: single nucleotide variant.
Coding change: c.1344G>C on transcript NM_176824.3 (MANE Select); coding-DNA position 1344, G replaced by C.
Protein change: p.Gln448His; replaces glutamine 448 with histidine.
Molecular consequence: missense variant.
Genome position (GRCh38, 1-based): chr4:121,839,658, C>G on the plus strand (G>C on the coding strand, the complement: BBS7 is on the minus strand). VCF-style: chr4-121839658-C-G. GRCh37 (hg19) VCF-style: chr4-122760813-C-G.
Other names: c.1344G>C, p.Gln448His (NM_018190.4); short protein forms Q448H.
Identifiers: ClinVar variation 1508542 (VCV001508542.5), dbSNP rs1473005529, ClinGen allele CA358060184.